The following is an entry in ClinVar:

NM_001318510.2(ACSL4):c.1070C>A (p.Thr357Asn)

Gene: ACSL4 (acyl-CoA synthetase long chain family member 4; minus strand). Cytogenetic location: Xq23.
Variant type: single nucleotide variant.
Coding change: c.1070C>A on transcript NM_001318510.2 (MANE Select); coding-DNA position 1070, C replaced by A.
Protein change: p.Thr357Asn; replaces threonine 357 with asparagine.
Molecular consequence: missense variant.
Genome position (GRCh38, 1-based): chrX:109,669,106, G>T on the plus strand (C>A on the coding strand, the complement: ACSL4 is on the minus strand). VCF-style: chrX-109669106-G-T. GRCh37 (hg19) VCF-style: chrX-108912335-G-T.
Other names: c.1193C>A, p.Thr398Asn (NM_001318509.2, NM_022977.3); c.1070C>A, p.Thr357Asn (NM_004458.3); short protein forms T357N, T398N.
Identifiers: ClinVar variation 1804765 (VCV001804765.2), dbSNP rs754071672, ClinGen allele CA414216436.
Genomic context (GRCh38, chrX:109,669,106, plus strand): 5'-GGTGCATCATATCCCTTTTTGATCTGTTCCAATTTGTAATCATACCCTATCTTGAACAGA[G>T]TTTTCTGAATATAATTCATCTCTTGGACTTTGCTCATAACATTCTTATAAATTCTATCCA-3'
Protein context (NP_001305439.1, residues 347-367): KVQEMNYIQK[Thr357Asn]LFKIGYDYKL

ClinVar aggregate classification (germline): Uncertain significance. Review status: criteria provided, multiple submitters, no conflicts (2 of 4 stars). 2 submissions from 2 submitters: Uncertain significance (2). Last evaluated 2022-12-20.

gnomAD v4.1: 2 of 1,178,147 alleles (0.00017%); highest among the groups gnomAD compares: Non-Finnish European, 0.00023%; no homozygotes.

Submissions (2):

Blueprint Genetics
Classification: Uncertain significance. Last evaluated: 2022-12-20. Review status: criteria provided, single submitter. Criteria: ACMG Guidelines, 2015. Collection method: clinical testing. Allele origin: germline.

Women's Health and Genetics/Laboratory Corporation of America, LabCorp
Classification: Uncertain significance. Last evaluated: 2022-11-05. Review status: criteria provided, single submitter. Criteria: LabCorp Variant Classification Summary - May 2015. Collection method: clinical testing. Allele origin: germline.
Comment: Variant summary: ACSL4 c.1070C>A (p.Thr357Asn) results in a non-conservative amino acid change located in the AMP-dependent synthetase/ligase domain (IPR000873) of the encoded protein sequence. Three of five in-silico tools predict a benign effect of the variant on protein function. The variant was absent in 181785 control chromosomes (gnomAD). The available data on variant occurrences in the general population are insufficient to allow any conclusion about variant significance. To our knowledge, no occurrence of c.1070C>A in individuals affected with Intellectual Disability and no experimental evidence demonstrating its impact on protein function have been reported. No clinical diagnostic laboratories have submitted clinical-significance assessments for this variant to ClinVar after 2014. Based on the evidence outlined above, the variant was classified as uncertain significance.